The following is an entry in ClinVar:

NM_025144.4(ALPK1):c.2831G>C (p.Gly944Ala)

Gene: ALPK1 (alpha kinase 1; plus strand). Cytogenetic location: 4q25.
Variant type: single nucleotide variant.
Coding change: c.2831G>C on transcript NM_025144.4 (MANE Select); coding-DNA position 2831, G replaced by C.
Protein change: p.Gly944Ala; replaces glycine 944 with alanine.
Molecular consequence: missense variant.
Genome position (GRCh38, 1-based): chr4:112,432,378, G>C. VCF-style: chr4-112432378-G-C. GRCh37 (hg19) VCF-style: chr4-113353534-G-C.
Other names: c.2831G>C, p.Gly944Ala (NM_001102406.2); c.2597G>C, p.Gly866Ala (NM_001253884.2); short protein forms G944A, G866A.
Identifiers: ClinVar variation 4700980 (VCV004700980.1).

ClinVar aggregate classification (germline): Uncertain significance (1 of 4 stars; one submission).

gnomAD v4.1: 33 of 1,614,050 alleles (0.002%); highest among the groups gnomAD compares: Non-Finnish European, 0.0027%; no homozygotes.

Submission:

Labcorp Genetics (formerly Invitae), Labcorp
Classification: Uncertain significance. Last evaluated: 2025-05-19. Review status: criteria provided, single submitter. Criteria: Invitae Variant Classification Sherloc (09022015). Collection method: clinical testing. Allele origin: germline.
Comment: This sequence change replaces glycine, which is neutral and non-polar, with alanine, which is neutral and non-polar, at codon 944 of the ALPK1 protein (p.Gly944Ala). This variant is present in population databases (rs761874405, gnomAD 0.003%). This variant has not been reported in the literature in individuals affected with ALPK1-related conditions. Invitae Evidence Modeling of protein sequence and biophysical properties (such as structural, functional, and spatial information, amino acid conservation, physicochemical variation, residue mobility, and thermodynamic stability) indicates that this missense variant is not expected to disrupt ALPK1 protein function with a negative predictive value of 80%. In summary, the available evidence is currently insufficient to determine the role of this variant in disease. Therefore, it has been classified as a Variant of Uncertain Significance.